The following is an entry in ClinVar:

ClinVar aggregate classification (germline): Uncertain significance (0 of 4 stars; one submission).

Conditions:
PHF6-related disorder. Also called: PHF6-related condition.

gnomAD v4.1: 4 of 1,209,672 alleles (0.00033%); highest among the groups gnomAD compares: African/African-American, 0.0035%; no homozygotes.

Submission:

PreventionGenetics, part of Exact Sciences
Classification: Uncertain significance for PHF6-related condition. Last evaluated: 2024-05-16. Review status: no assertion criteria provided. Collection method: clinical testing. Allele origin: germline.
Comment: The PHF6 c.260G>A variant is predicted to result in the amino acid substitution p.Cys87Tyr. To our knowledge, this variant has not been reported in the literature. This variant is reported in 0.0012% of alleles in individuals of European (Non-Finnish) descent in gnomAD. At this time, the clinical significance of this variant is uncertain due to the absence of conclusive functional and genetic evidence.

NM_001015877.2(PHF6):c.260G>A (p.Cys87Tyr)

Gene: PHF6 (PHD finger protein 6; plus strand). Cytogenetic location: Xq26.2.
Variant type: single nucleotide variant.
Coding change: c.260G>A on transcript NM_001015877.2 (MANE Select); coding-DNA position 260, G replaced by A.
Protein change: p.Cys87Tyr; replaces cysteine 87 with tyrosine.
Molecular consequence: missense variant.
Genome position (GRCh38, 1-based): chrX:134,393,520, G>A. VCF-style: chrX-134393520-G-A. GRCh37 (hg19) VCF-style: chrX-133527550-G-A.
Other names: c.260G>A, p.Cys87Tyr (NM_032335.3, NM_032458.3); short protein forms C87Y.
Identifiers: ClinVar variation 3345235 (VCV003345235.1).